The following is an entry in ClinVar:

ClinVar aggregate classification (germline): Pathogenic (1 of 4 stars; one submission).

Conditions:
Intellectual developmental disorder with language impairment and early-onset DOPA-responsive dystonia-parkinsonism (IDLDP). Identifiers: Orphanet 660017, MedGen C5677001, MONDO:0859257, OMIM 619911.

Submission:

Center Lab, King Abdulaziz University
Classification: Pathogenic for Intellectual developmental disorder with language impairment and early-onset DOPA-responsive dystonia-parkinsonism. Last evaluated: 2024-08-23. Review status: criteria provided, single submitter. Criteria: ACMG Guidelines, 2015. Collection method: clinical testing. Allele origin: de novo. Inheritance: Autosomal dominant inheritance. Affected: yes. Observed: 1 heterozygote.
Comment: The NM_006186.4(NR4A2):c.548del(p.Pro183Leufs*20) variant causes a frameshift change involving the alteration of a conserved nucleotide. The variant allele was found at a frequency of 0.000000684 in 1,461,268 control chromosomes in the GnomAD database, with no homozygous occurrence. The variant is predicted to undergo nonsense mediated mRNA decay. The variant got 10 ACMG points: 10P and 0B. Criteria applied: PVS1, PM2 (moderate).

Literature cited by the submitters: PubMed 38440907.

NM_006186.4(NR4A2):c.548del (p.Pro183fs)

Gene: NR4A2 (nuclear receptor subfamily 4 group A member 2; minus strand). Cytogenetic location: 2q24.1.
Variant type: Deletion.
Coding change: c.548del on transcript NM_006186.4 (MANE Select); coding-DNA position 548, one base deleted (C; older notation c.548delC).
Protein change: p.Pro183fs; shifts the reading frame from proline 183.
Molecular consequence: frameshift variant.
Genome position (GRCh38, 1-based): chr2:156,329,639, G deleted on the plus strand (C on the coding strand, the reverse complement: NR4A2 is on the minus strand); the first of 5 consecutive G bases (chr2:156,329,639-156,329,643); deleting any one gives the same sequence. VCF-style (leftmost placement, unchanged base first): chr2-156329638-AG-A. GRCh37 (hg19) VCF-style: chr2-157186150-AG-A.
Other names: HZF-3; NOT; NURR1; RNR1; TINUR; c.359del, p.Pro120fs (NM_173173.3); short protein forms P120fs, P183fs.
Identifiers: ClinVar variation 3338477 (VCV003338477.2).